The following is an entry in ClinVar:

NM_000075.4(CDK4):c.911G>A (p.Ter304=)

Genes: TSPAN31 (tetraspanin 31; plus strand), CDK4 (cyclin dependent kinase 4; minus strand). Cytogenetic location: 12q14.1.
Variant type: single nucleotide variant.
Coding change: c.911G>A on transcript NM_000075.4 (MANE Select); coding-DNA position 911, G replaced by A.
Protein change: p.Ter304=.
Molecular consequence: synonymous variant. On other transcripts: 3 prime UTR variant (3).
Genome position (GRCh38, 1-based): chr12:57,748,526, C>T on the plus strand (G>A on the coding strand, the complement: CDK4 is on the minus strand). VCF-style: chr12-57748526-C-T. GRCh37 (hg19) VCF-style: chr12-58142309-C-T.
Other names: c.*1236C>T (NM_001330168.2, NM_001330169.2, NM_005981.5).
Identifiers: ClinVar variation 3378665 (VCV003378665.1).

ClinVar aggregate classification (germline): Benign (1 of 4 stars; one submission).

Conditions:
Melanoma, cutaneous malignant, susceptibility to, 3. Also called: Cutaneous malignant melanoma 3. Identifiers: Orphanet 618, MedGen C1836892, MONDO:0012183, OMIM 609048.

gnomAD v4.1: 2 of 1,609,278 alleles (0.00012%); highest among the groups gnomAD compares: Non-Finnish European, 0.00017%; no homozygotes.

Submission:

Myriad Genetics, Inc.
Classification: Benign for Melanoma, cutaneous malignant, susceptibility to, 3. Last evaluated: 2024-09-27. Review status: criteria provided, single submitter. Criteria: Myriad Autosomal Dominant, Autosomal Recessive and X-Linked Classification Criteria (2023). Collection method: clinical testing. Allele origin: unknown.
Comment: This variant is considered benign. This variant is a silent/synonymous amino acid change and it is not expected to impact splicing.